The following is an entry in ClinVar:

NM_002448.3(MSX1):c.543C>T (p.Thr181=)

Gene: MSX1 (msh homeobox 1; plus strand). Cytogenetic location: 4p16.2.
Variant type: single nucleotide variant.
Coding change: c.543C>T on transcript NM_002448.3 (MANE Select); coding-DNA position 543, C replaced by T.
Protein change: p.Thr181=; no amino-acid change (threonine 181 retained).
Molecular consequence: synonymous variant.
Genome position (GRCh38, 1-based): chr4:4,862,774, C>T. VCF-style: chr4-4862774-C-T. GRCh37 (hg19) VCF-style: chr4-4864501-C-T.
Identifiers: ClinVar variation 3350175 (VCV003350175.1).

ClinVar aggregate classification (germline): Likely benign (0 of 4 stars; one submission).

Conditions:
MSX1-related disorder. Also called: MSX1-related condition.

gnomAD v4.1: 184 of 1,613,550 alleles (0.011%); highest among the groups gnomAD compares: African/African-American, 0.12%; no homozygotes.

Submission:

PreventionGenetics, part of Exact Sciences
Classification: Likely benign for MSX1-related condition. Last evaluated: 2024-08-23. Review status: no assertion criteria provided. Collection method: clinical testing. Allele origin: germline.
Comment: This variant is classified as likely benign based on ACMG/AMP sequence variant interpretation guidelines (Richards et al. 2015 PMID: 25741868, with internal and published modifications).